The following is an entry in ClinVar:

ClinVar aggregate classification (germline): Uncertain significance (1 of 4 stars; one submission).

Submission:

Labcorp Genetics (formerly Invitae), Labcorp
Classification: Uncertain significance. Last evaluated: 2022-04-10. Review status: criteria provided, single submitter. Criteria: Invitae Variant Classification Sherloc (09022015). Collection method: clinical testing. Allele origin: germline.
Comment: This variant has not been reported in the literature in individuals affected with PRPF31-related conditions. In summary, the available evidence is currently insufficient to determine the role of this variant in disease. Therefore, it has been classified as a Variant of Uncertain Significance. Algorithms developed to predict the effect of missense changes on protein structure and function (SIFT, PolyPhen-2, Align-GVGD) all suggest that this variant is likely to be disruptive. This variant is not present in population databases (gnomAD no frequency). This sequence change replaces leucine, which is neutral and non-polar, with proline, which is neutral and non-polar, at codon 238 of the PRPF31 protein (p.Leu238Pro).

NM_015629.4(PRPF31):c.713T>C (p.Leu238Pro)

Gene: PRPF31 (pre-mRNA processing factor 31; plus strand). Cytogenetic location: 19q13.42.
Variant type: single nucleotide variant.
Coding change: c.713T>C on transcript NM_015629.4 (MANE Select); coding-DNA position 713, T replaced by C.
Protein change: p.Leu238Pro; replaces leucine 238 with proline.
Molecular consequence: missense variant.
Genome position (GRCh38, 1-based): chr19:54,124,514, T>C. VCF-style: chr19-54124514-T-C. GRCh37 (hg19) VCF-style: chr19-54627893-T-C.
Other names: short protein forms L238P.
Identifiers: ClinVar variation 2124085 (VCV002124085.4), dbSNP rs2516155610, ClinGen allele CA407751074.